The following is an entry in ClinVar:

ClinVar aggregate classification (germline): Uncertain significance (1 of 4 stars; one submission).

gnomAD v4.1: 3 of 1,613,718 alleles (0.00019%); highest among the groups gnomAD compares: Non-Finnish European, 0.00025%; no homozygotes.

Submission:

Labcorp Genetics (formerly Invitae), Labcorp
Classification: Uncertain significance. Last evaluated: 2024-09-08. Review status: criteria provided, single submitter. Criteria: Invitae Variant Classification Sherloc (09022015). Collection method: clinical testing. Allele origin: germline.
Comment: This sequence change creates a premature translational stop signal (p.Arg705*) in the STAT4 gene. It is expected to result in an absent or disrupted protein product. However, the current clinical and genetic evidence is not sufficient to establish whether loss-of-function variants in STAT4 cause disease. This variant is present in population databases (no rsID available, gnomAD 0.0009%). This variant has not been reported in the literature in individuals affected with STAT4-related conditions. In summary, the available evidence is currently insufficient to determine the role of this variant in disease. Therefore, it has been classified as a Variant of Uncertain Significance.

NM_003151.4(STAT4):c.2113C>T (p.Arg705Ter)

Genes: STAT4 (signal transducer and activator of transcription 4; minus strand), STAT4-AS1 (STAT4 antisense RNA 1; plus strand). Cytogenetic location: 2q32.2.
Variant type: single nucleotide variant.
Coding change: c.2113C>T on transcript NM_003151.4 (MANE Select); coding-DNA position 2113, C replaced by T.
Protein change: p.Arg705Ter; replaces arginine 705 with a stop codon.
Molecular consequence: nonsense. On other transcripts: non-coding transcript variant (1).
Genome position (GRCh38, 1-based): chr2:191,031,079, G>A on the plus strand (C>T on the coding strand, the complement: STAT4 is on the minus strand). VCF-style: chr2-191031079-G-A. GRCh37 (hg19) VCF-style: chr2-191895805-G-A.
Other names: c.2113C>T, p.Arg705Ter (NM_001243835.2); short protein forms R705*.
Identifiers: ClinVar variation 3642778 (VCV003642778.2).